The following is an entry in ClinVar:

ClinVar aggregate classification (germline): Likely benign. Review status: criteria provided, multiple submitters, no conflicts (2 of 4 stars). 3 submissions from 3 submitters: Likely benign (2). 1 of the submissions does not count toward it. Last evaluated 2024-04-15.

Conditions:
Gorlin syndrome. Also called: Basal cell nevus syndrome; Nevoid Basal Cell Carcinoma Syndrome. Identifiers: Orphanet 377, MedGen C0004779, MONDO:0007187.
PTCH2-related disorder. Also called: PTCH2-related condition; PTCH2-related disease.

gnomAD v4.1: 21 of 1,614,038 alleles (0.0013%); highest among the groups gnomAD compares: South Asian, 0.0033%; no homozygotes.

Submissions (3):

Labcorp Genetics (formerly Invitae), Labcorp
Classification: Likely benign for Gorlin syndrome. Last evaluated: 2024-04-15. Review status: criteria provided, single submitter. Criteria: Invitae Variant Classification Sherloc (09022015). Collection method: clinical testing. Allele origin: germline.

Blueprint Genetics
Classification: Likely benign. Last evaluated: 2021-07-12. Review status: criteria provided, single submitter. Criteria: ACMG Guidelines, 2015. Collection method: clinical testing. Allele origin: germline.

PreventionGenetics, part of Exact Sciences
Classification: Likely benign for PTCH2-related condition. Last evaluated: 2022-11-18. Review status: no assertion criteria provided. Collection method: clinical testing. Allele origin: germline. Not counted in ClinVar's aggregate classification.
Comment: This variant is classified as likely benign based on ACMG/AMP sequence variant interpretation guidelines (Richards et al. 2015 PMID: 25741868, with internal and published modifications).

NM_003738.5(PTCH2):c.354C>T (p.Thr118=)

Gene: PTCH2 (patched 2; minus strand). Cytogenetic location: 1p34.1.
Variant type: single nucleotide variant.
Coding change: c.354C>T on transcript NM_003738.5 (MANE Select); coding-DNA position 354, C replaced by T.
Protein change: p.Thr118=; no amino-acid change (threonine 118 retained).
Molecular consequence: synonymous variant.
Genome position (GRCh38, 1-based): chr1:44,832,253, G>A on the plus strand (C>T on the coding strand, the complement: PTCH2 is on the minus strand). VCF-style: chr1-44832253-G-A. GRCh37 (hg19) VCF-style: chr1-45297925-G-A.
Other names: c.354C>T, p.Thr118= (NM_001166292.2); c.354C>T (NM_003738.4).
Identifiers: ClinVar variation 2777567 (VCV002777567.6), dbSNP rs758146648, ClinGen allele CA823662.
Genomic context (GRCh38, chr1:44,832,253, plus strand): 5'-TGCCTGGAGGTGGAGGCCAAGTGCTTCGGGTGTGAGGATGTTCTCTCCCTCCTGGCGTGC[G>A]GTCTGTATCAGCATCTGAGAGGTGTATGCAGCCTCCTCCCCCAGCTTCTCCTTGGTGTAA-3'
Protein context (NP_003729.3, residues 108-128): AAYTSQMLIQ[Thr118=]ARQEGENILT